The following is an entry in ClinVar:

NM_020921.4(NIN):c.1974T>C (p.His658=)

Genes: NIN (ninein; minus strand), LOC130055602 (ATAC-STARR-seq lymphoblastoid active region 8362; plus strand). Cytogenetic location: 14q22.1.
Variant type: single nucleotide variant.
Coding change: c.1974T>C on transcript NM_020921.4 (MANE Select); coding-DNA position 1974, T replaced by C.
Protein change: p.His658=; no amino-acid change (histidine 658 retained).
Molecular consequence: synonymous variant.
Genome position (GRCh38, 1-based): chr14:50,760,282, A>G on the plus strand (T>C on the coding strand, the complement: NIN is on the minus strand). VCF-style: chr14-50760282-A-G. GRCh37 (hg19) VCF-style: chr14-51227000-A-G.
Other names: c.1974T>C, p.His658= (NM_016350.5, NM_182944.3, NM_182946.2).
Identifiers: ClinVar variation 129781 (VCV000129781.19), dbSNP rs4901055, ClinGen allele CA154077.

ClinVar aggregate classification (germline): Benign. Review status: criteria provided, multiple submitters, no conflicts (2 of 4 stars). 6 submissions from 6 submitters: Benign (5). 1 of the submissions does not count toward it. Last evaluated 2026-02-02.

Conditions:
Seckel syndrome 7 (SCKL7). Identifiers: Orphanet 319675, MedGen C3553870, MONDO:0013922, OMIM 614851.

Allele frequency attached by ClinVar (database versions not stated): ExAC 0.12825; 1000 Genomes Project 0.14836; 1000 Genomes Project 30x 0.15100; gnomAD 0.18482 and 0.19347; TOPMed 0.19445; ESP Exome Variant Server 0.21344.
gnomAD v4.1: 220,771 of 1,609,434 alleles (14%); highest among the groups gnomAD compares: African/African-American, 35%; 17,753 homozygotes.

Submissions (6):

Labcorp Genetics (formerly Invitae), Labcorp
Classification: Benign. Last evaluated: 2026-02-02. Review status: criteria provided, single submitter. Criteria: Invitae Variant Classification Sherloc (09022015). Collection method: clinical testing. Allele origin: germline.

Blueprint Genetics
Classification: Benign. Last evaluated: 2024-11-27. Review status: criteria provided, single submitter. Criteria: ACMG Guidelines, 2015. Collection method: clinical testing. Allele origin: germline.

Genome-Nilou Lab
Classification: Benign for Seckel syndrome 7. Last evaluated: 2021-09-05. Review status: criteria provided, single submitter. Criteria: ACMG Guidelines, 2015. Collection method: clinical testing. Allele origin: germline. Affected: no.

GeneDx
Classification: Benign. Last evaluated: 2021-05-04. Review status: criteria provided, single submitter. Criteria: GeneDx Variant Classification Process June 2021. Collection method: clinical testing. Allele origin: germline. Affected: yes.

Breakthrough Genomics
Classification: Benign. Review status: criteria provided, single submitter. Criteria: ACMG Guidelines, 2015. Collection method: not provided. Allele origin: germline. Inheritance: Autosomal recessive inheritance. Affected: yes.

Genetic Services Laboratory, University of Chicago
Classification: Likely benign for AllHighlyPenetrant. Review status: no assertion criteria provided. Collection method: clinical testing. Allele origin: germline. Inheritance: Autosomal recessive inheritance. Not counted in ClinVar's aggregate classification.
Comment: Likely benign based on allele frequency in 1000 Genomes Project or ESP global frequency and its presence in a patient with a rare or unrelated disease phenotype. NOT Sanger confirmed.